The following is an entry in ClinVar:

ClinVar aggregate classification (germline): Likely benign (0 of 4 stars; one submission).

Conditions:
AGL-related disorder. Also called: AGL-related condition.

Allele frequency attached by ClinVar (database versions not stated): 1000 Genomes Project 30x 0.00047; 1000 Genomes Project 0.00060; ESP Exome Variant Server 0.00062; TOPMed 0.00069; ExAC 0.00070.
gnomAD v4.1: 1,391 of 1,602,372 alleles (0.087%); highest among the groups gnomAD compares: Middle Eastern, 0.17%; 4 homozygotes.

Submission:

PreventionGenetics, part of Exact Sciences
Classification: Likely benign for AGL-related condition. Last evaluated: 2021-02-08. Review status: no assertion criteria provided. Collection method: clinical testing. Allele origin: germline.
Comment: This variant is classified as likely benign based on ACMG/AMP sequence variant interpretation guidelines (Richards et al. 2015 PMID: 25741868, with internal and published modifications).

NM_000642.3(AGL):c.3259+29T>C

Gene: AGL (amylo-alpha-1,6-glucosidase and 4-alpha-glucanotransferase; plus strand). Cytogenetic location: 1p21.2.
Variant type: single nucleotide variant.
Coding change: c.3259+29T>C on transcript NM_000642.3 (MANE Select); 29 bases into the intron after coding-DNA position 3259, T replaced by C.
Molecular consequence: intron variant.
Genome position (GRCh38, 1-based): chr1:99,892,636, T>C. VCF-style: chr1-99892636-T-C. GRCh37 (hg19) VCF-style: chr1-100358192-T-C.
Other names: c.3259+29T>C (NM_000643.3, NM_000644.3, NM_001425325.1 and 1 more transcripts); c.3211+29T>C (NM_000646.3); c.3238+29T>C (NM_001425326.1); c.3058+29T>C (NM_001425327.1); c.3055+29T>C (NM_001425328.1); c.2920+29T>C (NM_001425329.1); c.2881+29T>C (NM_001425332.1).
Identifiers: ClinVar variation 3042632 (VCV003042632.2), dbSNP rs201222919, ClinGen allele CA967015.